The following is an entry in ClinVar:

ClinVar aggregate classification (germline): Likely benign. Review status: criteria provided, multiple submitters, no conflicts (2 of 4 stars). 4 submissions from 4 submitters: Likely benign (3). 1 of the submissions does not count toward it. Last evaluated 2025-05-28.

Conditions:
NR2E3-related disorder. Also called: NR2E3-related disorders; NR2E3-related condition. Identifiers: MedGen CN239387.
Goldmann-Favre syndrome. Identifiers: Orphanet 53540, MedGen C0339541, MONDO:0100289.

Allele frequency attached by ClinVar (database versions not stated): ESP Exome Variant Server 0.00008; TOPMed 0.00008; ExAC 0.00015; 1000 Genomes Project 30x 0.00016; 1000 Genomes Project 0.00020.

Submissions (4):

PreventionGenetics, part of Exact Sciences
Classification: Likely benign for NR2E3-related condition. Last evaluated: 2025-05-28. Review status: criteria provided, single submitter. Criteria: ACMG Guidelines, 2015. Collection method: clinical testing. Allele origin: germline.
Comment: This variant is classified as likely benign based on ACMG/AMP sequence variant interpretation guidelines (Richards et al. 2015 PMID: 25741868, with internal and published modifications).

Labcorp Genetics (formerly Invitae), Labcorp
Classification: Likely benign. Last evaluated: 2025-01-30. Review status: criteria provided, single submitter. Criteria: Invitae Variant Classification Sherloc (09022015). Collection method: clinical testing. Allele origin: germline.

Blueprint Genetics
Classification: Likely benign. Last evaluated: 2024-11-25. Review status: criteria provided, single submitter. Criteria: ACMG Guidelines, 2015. Collection method: clinical testing. Allele origin: germline.

Natera, Inc.
Classification: Benign for Goldmann-Favre syndrome. Last evaluated: 2020-06-22. Review status: no assertion criteria provided. Collection method: clinical testing. Allele origin: germline. Not counted in ClinVar's aggregate classification.

NM_014249.4(NR2E3):c.195C>T (p.Asn65=)

Gene: NR2E3 (nuclear receptor subfamily 2 group E member 3; plus strand). Cytogenetic location: 15q23.
Variant type: single nucleotide variant.
Coding change: c.195C>T on transcript NM_014249.4 (MANE Select); coding-DNA position 195, C replaced by T.
Protein change: p.Asn65=; no amino-acid change (asparagine 65 retained).
Molecular consequence: synonymous variant.
Genome position (GRCh38, 1-based): chr15:71,811,559, C>T. VCF-style: chr15-71811559-C-T. GRCh37 (hg19) VCF-style: chr15-72103899-C-T.
Other names: c.195C>T, p.Asn65= (NM_016346.4); c.195C>T (NM_014249.3).
Identifiers: ClinVar variation 991921 (VCV000991921.12), dbSNP rs367603365, ClinGen allele CA7640239.